The following is an entry in ClinVar:

NM_012301.4(MAGI2):c.4183G>A (p.Gly1395Ser)

Gene: MAGI2 (membrane associated guanylate kinase, WW and PDZ domain containing 2; minus strand). Cytogenetic location: 7q21.11.
Variant type: single nucleotide variant.
Coding change: c.4183G>A on transcript NM_012301.4 (MANE Select); coding-DNA position 4183, G replaced by A.
Protein change: p.Gly1395Ser; replaces glycine 1395 with serine.
Molecular consequence: missense variant.
Genome position (GRCh38, 1-based): chr7:78,019,500, C>T on the plus strand (G>A on the coding strand, the complement: MAGI2 is on the minus strand). VCF-style: chr7-78019500-C-T. GRCh37 (hg19) VCF-style: chr7-77648817-C-T.
Other names: c.4141G>A, p.Gly1381Ser (NM_001301128.2); c.4183G>A (NM_012301.3); short protein forms G1395S, G1381S.
Identifiers: ClinVar variation 2184687 (VCV002184687.6), dbSNP rs1294387014, ClinGen allele CA367844996.
Genomic context (GRCh38, chr7:78,019,500, plus strand): 5'-CCGGCCGGGGACCCGCGCGCGCACCCGCCCTGCCCTCGGCCTCCAGCGCGCCGCTGCCGC[C>T]GCCGCCCGGGCCGGCAAACGCCGGCGCAGCCCCCGGGCCTTCGCGCCGGCAGAGCTCGGA-3'
Protein context (NP_036433.2, residues 1385-1405): AAPAFAGPGG[Gly1395Ser]GSGALEAEGR

ClinVar aggregate classification (germline): Conflicting classifications of pathogenicity. Review status: criteria provided, conflicting classifications (1 of 4 stars). 3 submissions from 3 submitters: Uncertain significance (2); Likely benign (1). Last evaluated 2025-03-19.

Allele frequency attached by ClinVar (database versions not stated): gnomAD exomes 0.00002; gnomAD 0.00004; TOPMed 0.00005.
gnomAD v4.1: 27 of 980,290 alleles (0.0028%); highest among the groups gnomAD compares: South Asian, 0.055%; no homozygotes.

Submissions (3):

Ambry Genetics
Classification: Likely benign. Last evaluated: 2025-03-19. Review status: criteria provided, single submitter. Criteria: Ambry Variant Classification Scheme 2023. Collection method: clinical testing. Allele origin: germline.

Labcorp Genetics (formerly Invitae), Labcorp
Classification: Uncertain significance. Last evaluated: 2024-10-07. Review status: criteria provided, single submitter. Criteria: Invitae Variant Classification Sherloc (09022015). Collection method: clinical testing. Allele origin: germline.
Comment: This sequence change replaces glycine, which is neutral and non-polar, with serine, which is neutral and polar, at codon 1395 of the MAGI2 protein (p.Gly1395Ser). The frequency data for this variant in the population databases is considered unreliable, as metrics indicate insufficient coverage at this position in the gnomAD database. This variant has not been reported in the literature in individuals affected with MAGI2-related conditions. ClinVar contains an entry for this variant (Variation ID: 2184687). Experimental studies and prediction algorithms are not available or were not evaluated, and the functional significance of this variant is currently unknown. In summary, the available evidence is currently insufficient to determine the role of this variant in disease. Therefore, it has been classified as a Variant of Uncertain Significance.

Blueprint Genetics
Classification: Uncertain significance. Last evaluated: 2022-12-21. Review status: criteria provided, single submitter. Criteria: ACMG Guidelines, 2015. Collection method: clinical testing. Allele origin: germline.